The following is an entry in ClinVar:

ClinVar aggregate classification (germline): Uncertain significance (1 of 4 stars; one submission).

Conditions:
Inborn genetic diseases. Identifiers: MedGen C0950123, MeSH D030342.

Submission:

Ambry Genetics
Classification: Uncertain significance for Inborn genetic diseases. Last evaluated: 2026-07-22. Review status: criteria provided, single submitter. Criteria: Ambry Variant Classification Scheme 2023. Collection method: clinical testing. Allele origin: germline.
Comment: The c.916+5G>A intronic alteration consists of a G to A substitution 5 nucleotides after exon 10 (C) in the CLCN7 gene. The Genome Aggregation Database (gnomAD) data for this variant is unreliable due to technical and/or biological issues; therefore, population frequency estimates were not considered. This nucleotide position is highly conserved in available vertebrate species. In silico splice site analysis predicts that this alteration will weaken the native splice donor site and may result in the creation or strengthening of a novel splice donor site. Based on insufficient or conflicting evidence, the clinical significance of this alteration remains unclear.

NM_001287.6(CLCN7):c.916+5G>A

Gene: CLCN7 (Cl-/H+ antiporter 7; minus strand). Cytogenetic location: 16p13.3.
Variant type: single nucleotide variant.
Coding change: c.916+5G>A on transcript NM_001287.6 (MANE Select); 5 bases into the intron after coding-DNA position 916, G replaced by A.
Molecular consequence: intron variant.
Genome position (GRCh38, 1-based): chr16:1,456,108, C>T on the plus strand (G>A on the coding strand, the complement: CLCN7 is on the minus strand). VCF-style: chr16-1456108-C-T. GRCh37 (hg19) VCF-style: chr16-1506109-C-T.
Other names: c.844+5G>A (NM_001114331.3).
Identifiers: ClinVar variation 5034627 (VCV005034627.1).